The following is an entry in ClinVar:

ClinVar aggregate classification (germline): Uncertain significance. Review status: criteria provided, multiple submitters, no conflicts (2 of 4 stars). 3 submissions from 3 submitters: Uncertain significance (3). Last evaluated 2024-03-07.

Conditions:
Hajdu-Cheney syndrome (HJCYS). Also called: SERPENTINE FIBULA-POLYCYSTIC KIDNEY SYNDROME; ACROOSTEOLYSIS WITH OSTEOPOROSIS AND CHANGES IN SKULL AND MANDIBLE; Acroosteolysis dominant type. Identifiers: Orphanet 955, MedGen C0917715, MONDO:0007057, OMIM 102500.
Alagille syndrome due to a NOTCH2 point mutation. Also called: Alagille syndrome 2. Identifiers: Orphanet 261629, Orphanet 52, MedGen C1857761, MONDO:0012439, OMIM 610205.

Allele frequency attached by ClinVar (database versions not stated): ExAC 0.00005.
gnomAD v4.1: 35 of 1,614,038 alleles (0.0022%); highest among the groups gnomAD compares: East Asian, 0.0045%; no homozygotes.

Submissions (3):

Fulgent Genetics
Classification: Uncertain significance for Hajdu-Cheney syndrome; Alagille syndrome due to a NOTCH2 point mutation. Last evaluated: 2024-03-07. Review status: criteria provided, single submitter. Criteria: ACMG Guidelines, 2015. Collection method: clinical testing. Allele origin: germline.

Labcorp Genetics (formerly Invitae), Labcorp
Classification: Uncertain significance for Hajdu-Cheney syndrome. Last evaluated: 2023-07-07. Review status: criteria provided, single submitter. Criteria: Invitae Variant Classification Sherloc (09022015). Collection method: clinical testing. Allele origin: germline.
Comment: This sequence change replaces arginine, which is basic and polar, with cysteine, which is neutral and slightly polar, at codon 1578 of the NOTCH2 protein (p.Arg1578Cys). This variant is present in population databases (rs775412281, gnomAD 0.01%). This variant has not been reported in the literature in individuals affected with NOTCH2-related conditions. ClinVar contains an entry for this variant (Variation ID: 1985859). Advanced modeling of protein sequence and biophysical properties (such as structural, functional, and spatial information, amino acid conservation, physicochemical variation, residue mobility, and thermodynamic stability) has been performed at Invitae for this missense variant, however the output from this modeling did not meet the statistical confidence thresholds required to predict the impact of this variant on NOTCH2 protein function. In summary, the available evidence is currently insufficient to determine the role of this variant in disease. Therefore, it has been classified as a Variant of Uncertain Significance.

Revvity Omics, Revvity
Classification: Uncertain significance. Last evaluated: 2019-03-25. Review status: criteria provided, single submitter. Criteria: ACMG Guidelines, 2015. Collection method: clinical testing. Allele origin: germline.

NM_024408.4(NOTCH2):c.4732C>T (p.Arg1578Cys)

Gene: NOTCH2 (notch receptor 2; minus strand). Cytogenetic location: 1p12.
Variant type: single nucleotide variant.
Coding change: c.4732C>T on transcript NM_024408.4 (MANE Select); coding-DNA position 4732, C replaced by T.
Protein change: p.Arg1578Cys; replaces arginine 1578 with cysteine.
Molecular consequence: missense variant.
Genome position (GRCh38, 1-based): chr1:119,923,764, G>A on the plus strand (C>T on the coding strand, the complement: NOTCH2 is on the minus strand). VCF-style: chr1-119923764-G-A. GRCh37 (hg19) VCF-style: chr1-120466387-G-A.
Other names: c.4732C>T (NM_024408.3); short protein forms R1578C.
Identifiers: ClinVar variation 1985859 (VCV001985859.8), dbSNP rs775412281, ClinGen allele CA1039812.